The following is an entry in ClinVar:

NM_006509.4(RELB):c.44G>A (p.Gly15Asp)

Genes: RELB (RELB proto-oncogene, NF-kB subunit; plus strand), LOC130064661 (ATAC-STARR-seq lymphoblastoid silent region 10746; plus strand). Cytogenetic location: 19q13.32.
Variant type: single nucleotide variant.
Coding change: c.44G>A on transcript NM_006509.4 (MANE Select); coding-DNA position 44, G replaced by A.
Protein change: p.Gly15Asp; replaces glycine 15 with aspartic acid.
Molecular consequence: missense variant.
Genome position (GRCh38, 1-based): chr19:45,001,623, G>A. VCF-style: chr19-45001623-G-A. GRCh37 (hg19) VCF-style: chr19-45504881-G-A.
Other names: c.44G>A, p.Gly15Asp (NM_001411087.1); short protein forms G15D.
Identifiers: ClinVar variation 4761130 (VCV004761130.1).

ClinVar aggregate classification (germline): Uncertain significance (1 of 4 stars; one submission).

gnomAD v4.1: 1 of 1,522,138 alleles (0.000066%); highest among the groups gnomAD compares: African/African-American, 0.0014%; no homozygotes.

Submission:

Labcorp Genetics (formerly Invitae), Labcorp
Classification: Uncertain significance. Last evaluated: 2025-02-25. Review status: criteria provided, single submitter. Criteria: Invitae Variant Classification Sherloc (09022015). Collection method: clinical testing. Allele origin: germline.
Comment: This sequence change replaces glycine, which is neutral and non-polar, with aspartic acid, which is acidic and polar, at codon 15 of the RELB protein (p.Gly15Asp). This variant is not present in population databases (gnomAD no frequency). This variant has not been reported in the literature in individuals affected with RELB-related conditions. An algorithm developed to predict the effect of missense changes on protein structure and function (PolyPhen-2) suggests that this variant is likely to be tolerated. In summary, the available evidence is currently insufficient to determine the role of this variant in disease. Therefore, it has been classified as a Variant of Uncertain Significance.